The following is an entry in ClinVar:

NM_000127.3(EXT1):c.2120C>T (p.Thr707Met)

Gene: EXT1 (exostosin glycosyltransferase 1; minus strand). Cytogenetic location: 8q24.11.
Variant type: single nucleotide variant.
Coding change: c.2120C>T on transcript NM_000127.3 (MANE Select); coding-DNA position 2120, C replaced by T.
Protein change: p.Thr707Met; replaces threonine 707 with methionine.
Molecular consequence: missense variant.
Genome position (GRCh38, 1-based): chr8:117,799,833, G>A on the plus strand (C>T on the coding strand, the complement: EXT1 is on the minus strand). VCF-style: chr8-117799833-G-A. GRCh37 (hg19) VCF-style: chr8-118812072-G-A.
Other names: short protein forms T707M.
Identifiers: ClinVar variation 1479598 (VCV001479598.8), dbSNP rs756718693, ClinGen allele CA4853943.

ClinVar aggregate classification (germline): Uncertain significance (1 of 4 stars; one submission).

Conditions:
Multiple congenital exostosis (EXT). Also called: Hereditary multiple osteochondromas; MULTIPLE CARTILAGINOUS EXOSTOSES; Multiple exostoses; Hereditary multiple exostoses; Hereditary multiple exostosis; Multiple osteochondromas. Identifiers: Orphanet 321, MedGen C0015306, MONDO:0005508, HP:0002762.

Allele frequency attached by ClinVar (database versions not stated): TOPMed below 0.00001; ExAC 0.00001.
gnomAD v4.1: 8 of 1,614,192 alleles (0.0005%); highest among the groups gnomAD compares: East Asian, 0.0022%; no homozygotes.

Submission:

Labcorp Genetics (formerly Invitae), Labcorp
Classification: Uncertain significance for Multiple congenital exostosis. Last evaluated: 2023-10-06. Review status: criteria provided, single submitter. Criteria: Invitae Variant Classification Sherloc (09022015). Collection method: clinical testing. Allele origin: germline.
Comment: This sequence change replaces threonine, which is neutral and polar, with methionine, which is neutral and non-polar, at codon 707 of the EXT1 protein (p.Thr707Met). This variant is not present in population databases (gnomAD no frequency). This missense change has been observed in individual(s) with multiple osteochondromas (PMID: 28690282). ClinVar contains an entry for this variant (Variation ID: 1479598). Advanced modeling of protein sequence and biophysical properties (such as structural, functional, and spatial information, amino acid conservation, physicochemical variation, residue mobility, and thermodynamic stability) performed at Invitae indicates that this missense variant is not expected to disrupt EXT1 protein function. In summary, the available evidence is currently insufficient to determine the role of this variant in disease. Therefore, it has been classified as a Variant of Uncertain Significance.

Literature cited by the submitters: PubMed 28690282.